The following is an entry in ClinVar:

NM_001349206.2(LPIN1):c.958-273A>G

Gene: LPIN1 (lipin 1; plus strand). Cytogenetic location: 2p25.1.
Variant type: single nucleotide variant.
Coding change: c.958-273A>G on transcript NM_001349206.2 (MANE Select); 273 bases into the intron before coding-DNA position 958, A replaced by G.
Molecular consequence: intron variant.
Genome position (GRCh38, 1-based): chr2:11,781,928, A>G. VCF-style: chr2-11781928-A-G. GRCh37 (hg19) VCF-style: chr2-11922054-A-G.
Other names: c.1105-273A>G (NM_001261428.3); c.997-273A>G (NM_001349208.2); c.1048-273A>G (NM_001349207.2); c.868-273A>G (NM_001261427.3); c.958-273A>G (NM_001349204.2, NM_001349205.2); c.955-273A>G (NM_001349202.2, NM_001349203.2); c.850-273A>G (NM_001349200.2, NM_001349199.2, NM_001349201.2 and 1 more transcripts).
Identifiers: ClinVar variation 669649 (VCV000669649.1), dbSNP rs11695702, ClinGen allele CA15157840.

ClinVar aggregate classification (germline): Benign (1 of 4 stars; one submission).

Allele frequency attached by ClinVar (database versions not stated): 1000 Genomes Project 0.25659; 1000 Genomes Project 30x 0.26515; TOPMed 0.31879; gnomAD 0.32371 and 0.33159.
gnomAD v4.1: 49,155 of 152,106 alleles (32%); highest among the groups gnomAD compares: African/African-American, 41%; 8,429 homozygotes.

Submission:

GeneDx
Classification: Benign. Last evaluated: 2018-06-14. Review status: criteria provided, single submitter. Criteria: GeneDx Variant Classification (06012015). Collection method: clinical testing. Allele origin: germline. Affected: yes.
Comment: This variant is considered likely benign or benign based on one or more of the following criteria: it is a conservative change, it occurs at a poorly conserved position in the protein, it is predicted to be benign by multiple in silico algorithms, and/or has population frequency not consistent with disease.